The following is an entry in ClinVar:

ClinVar aggregate classification (germline): Uncertain significance (1 of 4 stars; one submission).

gnomAD v4.1: 2 of 1,544,474 alleles (0.00013%); highest among the groups gnomAD compares: African/African-American, 0.0027%; no homozygotes.

Submission:

GeneDx
Classification: Uncertain significance. Last evaluated: 2019-09-20. Review status: criteria provided, single submitter. Criteria: GeneDx Variant Classification Process June 2021. Collection method: clinical testing. Allele origin: germline. Affected: yes.
Comment: Not observed in large population cohorts (Lek et al., 2016); In silico analysis, which includes splice predictors and evolutionary conservation, supports a deleterious effect; Has not been previously published as pathogenic or benign to our knowledge

NM_017775.4(TTC19):c.185-5C>G

Genes: TTC19 (tetratricopeptide repeat domain 19; plus strand), LOC130060311 (ATAC-STARR-seq lymphoblastoid silent region 8214; plus strand). Cytogenetic location: 17p12.
Variant type: single nucleotide variant.
Coding change: c.185-5C>G on transcript NM_017775.4 (MANE Select); 5 bases into the intron before coding-DNA position 185, C replaced by G.
Molecular consequence: intron variant.
Genome position (GRCh38, 1-based): chr17:16,000,113, C>G. VCF-style: chr17-16000113-C-G. GRCh37 (hg19) VCF-style: chr17-15903427-C-G.
Other names: c.-274-5C>G (NM_001271420.2).
Identifiers: ClinVar variation 1303442 (VCV001303442.2), dbSNP rs1297026837, ClinGen allele CA2573054329.